The following is an entry in ClinVar:

ClinVar aggregate classification (germline): Pathogenic (1 of 4 stars; one submission).

Conditions:
Congenital myasthenic syndrome 4C (CMS4C). Also called: Myasthenic syndrome, congenital, associated with acetylcholine receptor deficiency. Identifiers: Orphanet 590, MedGen C1837091, MONDO:0012157, OMIM 608931.

Submission:

Laboratory of Medical Genetics, National & Kapodistrian University of Athens
Classification: Pathogenic for Congenital myasthenic syndrome 4C. Last evaluated: 2021-08-10. Review status: criteria provided, single submitter. Criteria: ACMG Guidelines, 2015. Collection method: clinical testing. Allele origin: unknown. Affected: yes.
Comment: PVS1, PM2, PP3, PP5

Literature cited by the submitters: PubMed 34008892.

NM_000048.4(ASL):c.1327del (p.Thr443fs)

Gene: ASL (argininosuccinate lyase; plus strand). Cytogenetic location: 7q11.21.
Variant type: Deletion.
Coding change: c.1327del on transcript NM_000048.4 (MANE Select); coding-DNA position 1327, one base deleted (A; older notation c.1327delA).
Protein change: p.Thr443fs; shifts the reading frame from threonine 443.
Molecular consequence: frameshift variant.
Genome position (GRCh38, 1-based): chr7:66,092,844, A deleted. VCF-style (leftmost placement, unchanged base first): chr7-66092843-CA-C. GRCh37 (hg19) VCF-style: chr7-65557830-CA-C.
Other names: c.1327del, p.Thr443fs (NM_001024943.2); c.1267del, p.Thr423fs (NM_001024944.2); c.1249del, p.Thr417fs (NM_001024946.2); short protein forms T417fs, T423fs, T443fs.
Identifiers: ClinVar variation 1299524 (VCV001299524.1), dbSNP rs2115767079, ClinGen allele CA2499218996.